The following is an entry in ClinVar:

ClinVar aggregate classification (germline): Uncertain significance (1 of 4 stars; one submission).

Submission:

Labcorp Genetics (formerly Invitae), Labcorp
Classification: Uncertain significance. Last evaluated: 2022-05-04. Review status: criteria provided, single submitter. Criteria: Invitae Variant Classification Sherloc (09022015). Collection method: clinical testing. Allele origin: germline.
Comment: In summary, the available evidence is currently insufficient to determine the role of this variant in disease. Therefore, it has been classified as a Variant of Uncertain Significance. Experimental studies and prediction algorithms are not available or were not evaluated, and the functional significance of this variant is currently unknown. This variant has not been reported in the literature in individuals affected with NR2E3-related conditions. This variant is not present in population databases (gnomAD no frequency). This sequence change replaces serine, which is neutral and polar, with glycine, which is neutral and non-polar, at codon 53 of the NR2E3 protein (p.Ser53Gly).

NM_014249.4(NR2E3):c.157A>G (p.Ser53Gly)

Gene: NR2E3 (nuclear receptor subfamily 2 group E member 3; plus strand). Cytogenetic location: 15q23.
Variant type: single nucleotide variant.
Coding change: c.157A>G on transcript NM_014249.4 (MANE Select); coding-DNA position 157, A replaced by G.
Protein change: p.Ser53Gly; replaces serine 53 with glycine.
Molecular consequence: missense variant.
Genome position (GRCh38, 1-based): chr15:71,811,521, A>G. VCF-style: chr15-71811521-A-G. GRCh37 (hg19) VCF-style: chr15-72103861-A-G.
Other names: c.157A>G, p.Ser53Gly (NM_016346.4); short protein forms S53G.
Identifiers: ClinVar variation 2133877 (VCV002133877.4), dbSNP rs2543253184, ClinGen allele CA393032007.